The following is an entry in ClinVar:

NM_177438.3(DICER1):c.1306dup (p.Ser436fs)

Gene: DICER1 (dicer 1, ribonuclease III; minus strand). Cytogenetic location: 14q32.13.
Variant type: Duplication.
Coding change: c.1306dup on transcript NM_177438.3 (MANE Select); coding-DNA position 1306, one base duplicated (T; older notation c.1306dupT).
Protein change: p.Ser436fs; shifts the reading frame from serine 436.
Molecular consequence: frameshift variant.
Genome position (GRCh38, 1-based): chr14:95,124,266, A duplicated on the plus strand (T on the coding strand, the reverse complement: DICER1 is on the minus strand); the first of 2 consecutive A bases (chr14:95,124,266-95,124,267); duplicating either gives the same sequence. VCF-style (leftmost placement, unchanged base first): chr14-95124265-G-GA. GRCh37 (hg19) VCF-style: chr14-95590602-G-GA.
Other names: c.1306dupT (NM_177438.2, NM_030621.4); c.1306dup, p.Ser436fs (NM_001195573.1, NM_001271282.3, NM_001291628.2 and 1 more transcripts); short protein forms S436fs.
Identifiers: ClinVar variation 690459 (VCV000690459.5), dbSNP rs1595438234, ClinGen allele CA915946416.

ClinVar aggregate classification (germline): Pathogenic. Review status: criteria provided, multiple submitters, no conflicts (2 of 4 stars). 2 submissions from 2 submitters: Pathogenic (2). Last evaluated 2019-07-01.

Conditions:
DICER1-related tumor predisposition. Also called: DICER1-related pleuropulmonary blastoma cancer predisposition syndrome; DICER1 syndrome. Identifiers: Orphanet 284343, MedGen C3839822, MONDO:0100216.

Submissions (2):

Foulkes Cancer Genetics LDI, Lady Davis Institute for Medical Research
Classification: Pathogenic for Pleuropulmonary blastoma. Last evaluated: 2019-07-01. Review status: criteria provided, single submitter. Criteria: ACMG Guidelines, 2015. Collection method: curation. Allele origin: germline. Affected: yes. Observed: 2 variant alleles.
Comment: ACMG criteria met: PVS1, PM2, PM7, PP4

PreventionGenetics, part of Exact Sciences
Classification: Pathogenic. Last evaluated: 2017-11-28. Review status: criteria provided, single submitter. Criteria: ACMG Guidelines, 2015. Collection method: clinical testing. Allele origin: germline.

Literature cited by the submitters: PubMed 21882293 (cited by Foulkes Cancer Genetics LDI, Lady Davis Institute for Medical Research).